The following is an entry in ClinVar:

NM_001376013.1(EPB41):c.1870A>C (p.Thr624Pro)

Gene: EPB41 (erythrocyte membrane protein band 4.1; plus strand). Cytogenetic location: 1p35.3.
Variant type: single nucleotide variant.
Coding change: c.1870A>C on transcript NM_001376013.1 (MANE Select); coding-DNA position 1870, A replaced by C.
Protein change: p.Thr624Pro; replaces threonine 624 with proline.
Molecular consequence: missense variant. On other transcripts: intron variant (6).
Genome position (GRCh38, 1-based): chr1:29,058,613, A>C. VCF-style: chr1-29058613-A-C. GRCh37 (hg19) VCF-style: chr1-29385125-A-C.
Other names: c.1243A>C, p.Thr415Pro (NM_001376022.1, NM_001376023.1, NM_001376024.1 and 2 more transcripts); c.1240A>C, p.Thr414Pro (NM_001376026.1); c.1740+5301A>C (NM_203343.3); c.1219-1809A>C (NM_004437.4); c.1218+5301A>C (NM_001166007.2, NM_001376027.1); c.1870A>C, p.Thr624Pro (NM_001166005.2, NM_001166006.2, NM_001376014.1 and 4 more transcripts); c.1867A>C, p.Thr623Pro (NM_001376018.1, NM_001376020.1); c.1215+5301A>C (NM_001376028.1); and 1 more; short protein forms T414P, T415P, T623P, T624P.
Identifiers: ClinVar variation 3677661 (VCV003677661.2).
Genomic context (GRCh38, chr1:29,058,613, plus strand): 5'-TAAAATGTTTTTACTACTTTTATTTCTTAAATGTAGGTGGAAAAAACCCACATCGAGGTG[A>C]CAGTACCCACCTCAAATGGTGACCAAACACAGGTTTGTGCCAATAGGCCACTTGTTCCTC-3'
Protein context (NP_001362942.1, residues 614-634): WKVEKTHIEV[Thr624Pro]VPTSNGDQTQ

ClinVar aggregate classification (germline): Uncertain significance (1 of 4 stars; one submission).

gnomAD v4.1: 2 of 1,613,686 alleles (0.00012%); highest among the groups gnomAD compares: Admixed American, 0.0017%; no homozygotes.

Submission:

Labcorp Genetics (formerly Invitae), Labcorp
Classification: Uncertain significance. Last evaluated: 2025-07-21. Review status: criteria provided, single submitter. Criteria: Invitae Variant Classification Sherloc (09022015). Collection method: clinical testing. Allele origin: germline.
Comment: The EPB41 gene has multiple clinically relevant transcripts. This variant occurs in alternate transcript NM_001166005.1, and corresponds to NM_004437.3:c.1219-1809A>C in the primary transcript. This sequence change replaces threonine, which is neutral and polar, with proline, which is neutral and non-polar, at codon 624 of the EPB41 protein (p.Thr624Pro). This variant is not present in population databases (gnomAD no frequency). This variant has not been reported in the literature in individuals affected with EPB41-related conditions. ClinVar contains an entry for this variant (Variation ID: 3677661). Experimental studies and prediction algorithms are not available or were not evaluated, and the functional significance of this variant is currently unknown. Algorithms developed to predict the effect of sequence changes on RNA splicing suggest that this variant is not likely to affect RNA splicing. In summary, the available evidence is currently insufficient to determine the role of this variant in disease. Therefore, it has been classified as a Variant of Uncertain Significance.